The following is an entry in ClinVar:

NM_001273.5(CHD4):c.4832C>T (p.Pro1611Leu)

Genes: CHD4 (chromodomain helicase DNA binding protein 4; minus strand), CHD4-AS1 (CHD4 antisense RNA 1; plus strand). Cytogenetic location: 12p13.31.
Variant type: single nucleotide variant.
Coding change: c.4832C>T on transcript NM_001273.5 (MANE Select); coding-DNA position 4832, C replaced by T.
Protein change: p.Pro1611Leu; replaces proline 1611 with leucine.
Molecular consequence: missense variant.
Genome position (GRCh38, 1-based): chr12:6,581,121, G>A on the plus strand (C>T on the coding strand, the complement: CHD4 is on the minus strand). VCF-style: chr12-6581121-G-A. GRCh37 (hg19) VCF-style: chr12-6690287-G-A.
Other names: c.4811C>T, p.Pro1604Leu (NM_001297553.2); c.4793C>T, p.Pro1598Leu (NM_001363606.2); short protein forms P1598L, P1611L, P1604L.
Identifiers: ClinVar variation 1460891 (VCV001460891.8), dbSNP rs889175642, ClinGen allele CA232386641.

ClinVar aggregate classification (germline): Uncertain significance (1 of 4 stars; one submission).

Allele frequency attached by ClinVar (database versions not stated): gnomAD exomes below 0.00001; gnomAD 0.00001; TOPMed 0.00001.
gnomAD v4.1: 2 of 1,613,958 alleles (0.00012%); highest among the groups gnomAD compares: East Asian, 0.0022%; no homozygotes.

Submission:

Labcorp Genetics (formerly Invitae), Labcorp
Classification: Uncertain significance. Last evaluated: 2021-04-20. Review status: criteria provided, single submitter. Criteria: Invitae Variant Classification Sherloc (09022015). Collection method: clinical testing. Allele origin: germline.
Comment: This sequence change replaces proline with leucine at codon 1611 of the CHD4 protein (p.Pro1611Leu). The proline residue is moderately conserved and there is a moderate physicochemical difference between proline and leucine. This variant is not present in population databases (ExAC no frequency). In summary, the available evidence is currently insufficient to determine the role of this variant in disease. Therefore, it has been classified as a Variant of Uncertain Significance. Algorithms developed to predict the effect of missense changes on protein structure and function output the following: SIFT: "Tolerated"; PolyPhen-2: "Benign"; Align-GVGD: "Class C0". The leucine amino acid residue is found in multiple mammalian species, suggesting that this missense change does not adversely affect protein function. These predictions have not been confirmed by published functional studies and their clinical significance is uncertain. This variant has not been reported in the literature in individuals with CHD4-related conditions.